The following is an entry in ClinVar:

NM_000243.3(MEFV):c.809A>G (p.Asn270Ser)

Gene: MEFV (MEFV innate immunity regulator, pyrin; minus strand). Cytogenetic location: 16p13.3.
Variant type: single nucleotide variant.
Coding change: c.809A>G on transcript NM_000243.3 (MANE Select); coding-DNA position 809, A replaced by G.
Protein change: p.Asn270Ser; replaces asparagine 270 with serine.
Molecular consequence: missense variant. On other transcripts: intron variant (1).
Genome position (GRCh38, 1-based): chr16:3,254,259, T>C on the plus strand (A>G on the coding strand, the complement: MEFV is on the minus strand). VCF-style: chr16-3254259-T-C. GRCh37 (hg19) VCF-style: chr16-3304259-T-C.
Other names: c.277+2052A>G (NM_001198536.2); short protein forms N270S.
Identifiers: ClinVar variation 633301 (VCV000633301.2), dbSNP rs1567237067, ClinGen allele CA394477268.
Genomic context (GRCh38, chr16:3,254,259, plus strand): 5'-TCCGCAGATGCCCCTCCATCCGGAGTGGGCCTTGCCCGGGGTTCTGTTGCCGAGTCCAGA[T>C]TCGCAGCTGTCTTTTCCTCTAGAGTCAGGAGAATTTCTGGATTTGCGGGCGCCTTCTCCC-3'
Protein context (NP_000234.1, residues 260-280): LLTLEEKTAA[Asn270Ser]LDSATEPRAR

ClinVar aggregate classification (germline): Uncertain significance. Review status: criteria provided, multiple submitters, no conflicts (2 of 4 stars). 2 submissions from 2 submitters: Uncertain significance (2). Last evaluated 2024-01-03.

Conditions:
Acute febrile neutrophilic dermatosis (AFND). Also called: Sweet Syndrome; Gomm Button disease. Identifiers: Orphanet 3243, MedGen C0085077, MONDO:0011959, OMIM 608068.
Familial Mediterranean fever (FMF). Also called: POLYSEROSITIS, FAMILIAL PAROXYSMAL; POLYSEROSITIS, RECURRENT; Periodic peritonitis; Benign paroxysmal peritonitis. Identifiers: Orphanet 342, MedGen C0031069, MONDO:0018088, OMIM 249100. Disease mechanism: gain of function.
Familial Mediterranean fever, autosomal dominant. Also called: Dominant Familial Mediterranean Fever; FMF, AUTOSOMAL DOMINANT. Identifiers: Orphanet 342, MedGen C1851347, MONDO:0007601, OMIM 134610.

Submissions (2):

Fulgent Genetics
Classification: Uncertain significance for Familial Mediterranean fever, autosomal dominant; Familial Mediterranean fever; Acute febrile neutrophilic dermatosis. Last evaluated: 2024-01-03. Review status: criteria provided, single submitter. Criteria: ACMG Guidelines, 2015. Collection method: clinical testing. Allele origin: germline.

Women's Health and Genetics/Laboratory Corporation of America, LabCorp
Classification: Uncertain significance. Last evaluated: 2017-09-19. Review status: criteria provided, single submitter. Criteria: LabCorp Variant Classification Summary - May 2015. Collection method: clinical testing. Allele origin: germline.
Comment: Variant summary: The MEFV c.809A>G (p.Asn270Ser) variant causes a missense change involving the alteration of a non-conserved nucleotide located in the Zinc finger, RING/FYVE/PHD-type domain (InterPro). 5/5 in silico tools predict a benign outcome for this variant. The variant was not found in the control population dataset of ExAC in 121376 control chromosomes. The variant of interest has not, to our knowledge, been reported in affected individuals via publications and/or reputable databases/clinical diagnostic laboratories; nor evaluated for functional impact by in vivo/vitro studies. Because of the absence of clinical information and the lack of functional studies, the variant is classified as a variant of uncertain significance (VUS).